The following is an entry in ClinVar:

Conditions:
Long QT syndrome 5 (LQT5). Identifiers: Orphanet 101016, Orphanet 768, MedGen C1867904, MONDO:0013372, OMIM 613695.

Submission:

Roden Lab, Vanderbilt University Medical Center
No classification provided (evidence only). Condition: Long QT syndrome 5. Review status: no classification provided. Collection method: in vitro. Allele origin: not applicable. Functional consequence: Effect on ion channel function.
ClinVar note: "not provided" was previously submitted as the classification for the variant. However, the classification appeared to be based only on an observation of functional data so it was converted to no classification on 2025-07-30.

NM_000219.6(KCNE1):c.296T>C (p.Val99Ala)

Gene: KCNE1 (potassium voltage-gated channel subfamily E regulatory subunit 1; minus strand). Cytogenetic location: 21q22.12.
Variant type: single nucleotide variant.
Coding change: c.296T>C on transcript NM_000219.6 (MANE Select); coding-DNA position 296, T replaced by C.
Protein change: p.Val99Ala; replaces valine 99 with alanine.
Molecular consequence: missense variant.
Genome position (GRCh38, 1-based): chr21:34,449,339, A>G on the plus strand (T>C on the coding strand, the complement: KCNE1 is on the minus strand). VCF-style: chr21-34449339-A-G. GRCh37 (hg19) VCF-style: chr21-35821637-A-G.
Other names: c.296T>C, p.Val99Ala (NM_001127668.4, NM_001127669.4, NM_001127670.4 and 4 more transcripts); short protein forms V99A.
Identifiers: ClinVar variation 3374562 (VCV003374562.2).
Genomic context (GRCh38, chr21:34,449,339, plus strand): 5'-TTGGGTTGTTCTATGGCCAGATGGTTTTCAACGACATAGCACGACCTGTAGCTCTCCAGG[A>G]CCCGGGCCTGGACATAGGCCTTGTCCTTCTCTTGCCAGGCATCGGACTCGATGTAGACGT-3'
Protein context (NP_000210.2, residues 89-109): EKDKAYVQAR[Val99Ala]LESYRSCYVV